The following is an entry in ClinVar:

NM_002474.3(MYH11):c.1249-14G>A

Gene: MYH11 (myosin heavy chain 11; minus strand). Cytogenetic location: 16p13.11.
Variant type: single nucleotide variant.
Coding change: c.1249-14G>A on transcript NM_002474.3 (MANE Select); 14 bases into the intron before coding-DNA position 1249, G replaced by A.
Molecular consequence: intron variant.
Genome position (GRCh38, 1-based): chr16:15,759,742, C>T on the plus strand (G>A on the coding strand, the complement: MYH11 is on the minus strand). VCF-style: chr16-15759742-C-T. GRCh37 (hg19) VCF-style: chr16-15853599-C-T.
Other names: c.1249-14G>A (NM_022844.3); c.1270-14G>A (NM_001040114.2, NM_001040113.2).
Identifiers: ClinVar variation 2911960 (VCV002911960.4), dbSNP rs2506400943, ClinGen allele CA2739266629.

ClinVar aggregate classification (germline): Likely benign. Review status: criteria provided, multiple submitters, no conflicts (2 of 4 stars). 2 submissions from 2 submitters: Likely benign (2). Last evaluated 2024-03-24.

Conditions:
Familial thoracic aortic aneurysm and aortic dissection (TAAD). Also called: Thoracic aortic aneurysms and dissections. Identifiers: Orphanet 91387, MedGen C4707243, MONDO:0019625.
Aortic aneurysm, familial thoracic 4 (AAT4). Also called: AORTIC ANEURYSM/AORTIC DISSECTION AND PATENT DUCTUS ARTERIOSUS. Identifiers: MedGen C1851504, MONDO:0007568, OMIM 132900.

Submissions (2):

All of Us Research Program, National Institutes of Health
Classification: Likely benign for Familial thoracic aortic aneurysm and aortic dissection. Last evaluated: 2024-03-24. Review status: criteria provided, single submitter. Criteria: ACMG Guidelines, 2015. Collection method: clinical testing. Allele origin: germline. Inheritance: Autosomal dominant inheritance. Observed: 2 variant alleles, 2 heterozygotes.
Comment: This study involves interpretation of variants in research participants for the purpose of population health screening. Participant phenotype was not available at the time of variant classification. Additional details can be found in publication PMID: 35346344, PMCID: PMC8962531

Labcorp Genetics (formerly Invitae), Labcorp
Classification: Likely benign for Aortic aneurysm, familial thoracic 4. Last evaluated: 2023-05-18. Review status: criteria provided, single submitter. Criteria: Invitae Variant Classification Sherloc (09022015). Collection method: clinical testing. Allele origin: germline.